The following is an entry in ClinVar:

NM_020719.3(PRR12):c.4490C>G (p.Pro1497Arg)

Gene: PRR12 (proline rich 12; plus strand). Cytogenetic location: 19q13.33.
Variant type: single nucleotide variant.
Coding change: c.4490C>G on transcript NM_020719.3 (MANE Select); coding-DNA position 4490, C replaced by G.
Protein change: p.Pro1497Arg; replaces proline 1497 with arginine.
Molecular consequence: missense variant.
Genome position (GRCh38, 1-based): chr19:49,601,635, C>G. VCF-style: chr19-49601635-C-G. GRCh37 (hg19) VCF-style: chr19-50104892-C-G.
Other names: short protein forms P1497R.
Identifiers: ClinVar variation 2442592 (VCV002442592.1), dbSNP rs751190935, ClinGen allele CA406828717.
Genomic context (GRCh38, chr19:49,601,635, plus strand): 5'-CGCCACAGCCAGCCCTGCCCTCGCCACCCCCGCTGGTGGCCCCCACGCCCAGCTCACCAC[C>G]GCCACCGCCGCTGCCGCCGCCACCTCCACCAGCCATGCCCTCGCCTCCACCACCACCCCC-3'
Protein context (NP_065770.1, residues 1487-1507): PLVAPTPSSP[Pro1497Arg]PPPLPPPPPP

ClinVar aggregate classification (germline): Uncertain significance (1 of 4 stars; one submission).

Submission:

GeneDx
Classification: Uncertain significance. Last evaluated: 2022-08-30. Review status: criteria provided, single submitter. Criteria: GeneDx Variant Classification Process June 2021. Collection method: clinical testing. Allele origin: germline. Affected: yes.
Comment: Not observed at significant frequency in large population cohorts (gnomAD); In silico analysis supports that this missense variant does not alter protein structure/function; Has not been previously published as pathogenic or benign to our knowledge